The following is an entry in ClinVar:

NM_001458.5(FLNC):c.625T>A (p.Trp209Arg)

Gene: FLNC (filamin C; plus strand). Cytogenetic location: 7q32.1.
Variant type: single nucleotide variant.
Coding change: c.625T>A on transcript NM_001458.5 (MANE Select); coding-DNA position 625, T replaced by A.
Protein change: p.Trp209Arg; replaces tryptophan 209 with arginine.
Molecular consequence: missense variant.
Genome position (GRCh38, 1-based): chr7:128,837,183, T>A. VCF-style: chr7-128837183-T-A. GRCh37 (hg19) VCF-style: chr7-128477237-T-A.
Other names: c.625T>A, p.Trp209Arg (NM_001127487.2); short protein forms W209R.
Identifiers: ClinVar variation 4820536 (VCV004820536.1).
Genomic context (GRCh38, chr7:128,837,183, plus strand): 5'-TGCCCCTCACCATCGTCTCCCTCCATCACCTCTCCAGGTCTCTGCCCCGACTGGGAGGCC[T>A]GGGACCCCAACCAGCCCGTGGAGAACGCCCGGGAGGCCATGCAGCAGGCCGACGACTGGC-3'
Protein context (NP_001449.3, residues 199-219): APGLCPDWEA[Trp209Arg]DPNQPVENAR

ClinVar aggregate classification (germline): Uncertain significance (1 of 4 stars; one submission).

Conditions:
Cardiovascular phenotype. Identifiers: MedGen CN230736.

Submission:

Molecular Diagnostic Laboratory for Inherited Cardiovascular Disease, Montreal Heart Institute
Classification: Uncertain significance for Cardiovascular phenotype. Last evaluated: 2026-03-27. Review status: criteria provided, single submitter. Criteria: ACMG Guidelines, 2015. Collection method: clinical testing. Allele origin: germline. Affected: yes.
Comment: PM2, PP3